The following is an entry in ClinVar:

NM_006059.4(LAMC3):c.1115A>G (p.Tyr372Cys)

Gene: LAMC3 (laminin subunit gamma 3; plus strand). Cytogenetic location: 9q34.12.
Variant type: single nucleotide variant.
Coding change: c.1115A>G on transcript NM_006059.4 (MANE Select); coding-DNA position 1115, A replaced by G.
Protein change: p.Tyr372Cys; replaces tyrosine 372 with cysteine.
Molecular consequence: missense variant.
Genome position (GRCh38, 1-based): chr9:131,039,002, A>G. VCF-style: chr9-131039002-A-G. GRCh37 (hg19) VCF-style: chr9-133914389-A-G.
Other names: short protein forms Y372C.
Identifiers: ClinVar variation 1377865 (VCV001377865.8), dbSNP rs745888229, ClinGen allele CA5286943.

ClinVar aggregate classification (germline): Uncertain significance (1 of 4 stars; one submission).

Allele frequency attached by ClinVar (database versions not stated): gnomAD exomes 0.00001; ExAC 0.00002.
gnomAD v4.1: 6 of 1,613,674 alleles (0.00037%); highest among the groups gnomAD compares: Non-Finnish European, 0.00051%; no homozygotes.

Submission:

Labcorp Genetics (formerly Invitae), Labcorp
Classification: Uncertain significance. Last evaluated: 2022-04-07. Review status: criteria provided, single submitter. Criteria: Invitae Variant Classification Sherloc (09022015). Collection method: clinical testing. Allele origin: germline.
Comment: In summary, the available evidence is currently insufficient to determine the role of this variant in disease. Therefore, it has been classified as a Variant of Uncertain Significance. Algorithms developed to predict the effect of missense changes on protein structure and function (SIFT, PolyPhen-2, Align-GVGD) all suggest that this variant is likely to be disruptive. This variant has not been reported in the literature in individuals affected with LAMC3-related conditions. This variant is present in population databases (rs745888229, gnomAD 0.003%). This sequence change replaces tyrosine, which is neutral and polar, with cysteine, which is neutral and slightly polar, at codon 372 of the LAMC3 protein (p.Tyr372Cys).